The following is an entry in ClinVar:

NM_004360.5(CDH1):c.1145G>T (p.Gly382Val)

Gene: CDH1 (cadherin 1; plus strand). Cytogenetic location: 16q22.1.
Variant type: single nucleotide variant.
Coding change: c.1145G>T on transcript NM_004360.5 (MANE Select); coding-DNA position 1145, G replaced by T.
Protein change: p.Gly382Val; replaces glycine 382 with valine.
Molecular consequence: missense variant. On other transcripts: 5 prime UTR variant (2), intron variant (1).
Genome position (GRCh38, 1-based): chr16:68,813,320, G>T. VCF-style: chr16-68813320-G-T. GRCh37 (hg19) VCF-style: chr16-68847223-G-T.
Other names: c.-471G>T (NM_001317185.2); c.-675G>T (NM_001317186.2); c.1137+1057G>T (NM_001317184.2); short protein forms G382V.
Identifiers: ClinVar variation 630862 (VCV000630862.20), dbSNP rs1567507684, ClinGen allele CA396461021.

ClinVar aggregate classification (germline): Uncertain significance. Review status: criteria provided, multiple submitters, no conflicts (2 of 4 stars). 3 submissions from 3 submitters: Uncertain significance (3). Last evaluated 2025-11-09.

Conditions:
Hereditary diffuse gastric adenocarcinoma (HDGC). Also called: DIFFUSE GASTRIC AND LOBULAR BREAST CANCER SYNDROME. Identifiers: Orphanet 26106, MedGen C1708349, MONDO:0007648, OMIM 137215.
Hereditary cancer-predisposing syndrome. Also called: Hereditary Cancer Syndrome; Neoplastic Syndromes, Hereditary; Tumor predisposition; Hereditary neoplastic syndrome. Identifiers: Orphanet 140162, MedGen C0027672, MeSH D009386, MONDO:0015356.

Submissions (3):

Labcorp Genetics (formerly Invitae), Labcorp
Classification: Uncertain significance for Hereditary diffuse gastric adenocarcinoma. Last evaluated: 2025-11-09. Review status: criteria provided, single submitter. Criteria: Invitae Variant Classification Sherloc (09022015). Collection method: clinical testing. Allele origin: germline.
Comment: This sequence change replaces glycine, which is neutral and non-polar, with valine, which is neutral and non-polar, at codon 382 of the CDH1 protein (p.Gly382Val). This variant is not present in population databases (gnomAD no frequency). This variant has not been reported in the literature in individuals affected with CDH1-related conditions. ClinVar contains an entry for this variant (Variation ID: 630862). An algorithm developed to predict the effect of missense changes on protein structure and function (PolyPhen-2) suggests that this variant is likely to be disruptive. In summary, the available evidence is currently insufficient to determine the role of this variant in disease. Therefore, it has been classified as a Variant of Uncertain Significance.

Ambry Genetics
Classification: Uncertain significance for Hereditary cancer-predisposing syndrome. Last evaluated: 2024-04-11. Review status: criteria provided, single submitter. Criteria: Ambry Variant Classification Scheme 2023. Collection method: clinical testing. Allele origin: germline.
Comment: The p.G382V variant (also known as c.1145G>T), located in coding exon 9 of the CDH1 gene, results from a G to T substitution at nucleotide position 1145. The glycine at codon 382 is replaced by valine, an amino acid with dissimilar properties. This amino acid position is not well conserved in available vertebrate species. In addition, this alteration is predicted to be tolerated by in silico analysis. Based on the available evidence, the clinical significance of this variant remains unclear.

Color Diagnostics, LLC DBA Color Health
Classification: Uncertain significance for Hereditary cancer-predisposing syndrome. Last evaluated: 2023-12-05. Review status: criteria provided, single submitter. Criteria: ACMG Guidelines, 2015. Collection method: clinical testing. Allele origin: germline.
Comment: This missense variant replaces glycine with valine at codon 382 of the CDH1 protein. To our knowledge, functional studies have not been reported for this variant. This variant has not been reported in individuals affected with CDH1-related disorders in the literature. This variant has not been identified in the general population by the Genome Aggregation Database (gnomAD). The available evidence is insufficient to determine the role of this variant in disease conclusively. Therefore, this variant is classified as a Variant of Uncertain Significance.